The following is an entry in ClinVar:

NM_001046.3(SLC12A2):c.1372G>C (p.Glu458Gln)

Gene: SLC12A2 (solute carrier family 12 member 2; plus strand). Cytogenetic location: 5q23.3.
Variant type: single nucleotide variant.
Coding change: c.1372G>C on transcript NM_001046.3 (MANE Select); coding-DNA position 1372, G replaced by C.
Protein change: p.Glu458Gln; replaces glutamic acid 458 with glutamine.
Molecular consequence: missense variant. On other transcripts: non-coding transcript variant (1).
Genome position (GRCh38, 1-based): chr5:128,135,772, G>C. VCF-style: chr5-128135772-G-C. GRCh37 (hg19) VCF-style: chr5-127471464-G-C.
Other names: c.1372G>C, p.Glu458Gln (NM_001256461.2); short protein forms E458Q.
Identifiers: ClinVar variation 4780032 (VCV004780032.1).

ClinVar aggregate classification (germline): Uncertain significance (1 of 4 stars; one submission).

Submission:

Labcorp Genetics (formerly Invitae), Labcorp
Classification: Uncertain significance. Last evaluated: 2025-04-10. Review status: criteria provided, single submitter. Criteria: Invitae Variant Classification Sherloc (09022015). Collection method: clinical testing. Allele origin: germline.
Comment: This sequence change replaces glutamic acid, which is acidic and polar, with glutamine, which is neutral and polar, at codon 458 of the SLC12A2 protein (p.Glu458Gln). This variant is not present in population databases (gnomAD no frequency). This variant has not been reported in the literature in individuals affected with SLC12A2-related conditions. Invitae Evidence Modeling of protein sequence and biophysical properties (such as structural, functional, and spatial information, amino acid conservation, physicochemical variation, residue mobility, and thermodynamic stability) indicates that this missense variant is not expected to disrupt SLC12A2 protein function with a negative predictive value of 80%. In summary, the available evidence is currently insufficient to determine the role of this variant in disease. Therefore, it has been classified as a Variant of Uncertain Significance.